The following is an entry in ClinVar:

ClinVar aggregate classification (germline): Likely benign (1 of 4 stars; one submission).

Conditions:
DROSHA-related disorder. Also called: DROSHA-related condition.

gnomAD v4.1: 3 of 1,603,060 alleles (0.00019%); highest among the groups gnomAD compares: Non-Finnish European, 0.00026%; no homozygotes.

Submission:

PreventionGenetics, part of Exact Sciences
Classification: Likely benign for DROSHA-related condition. Last evaluated: 2025-09-08. Review status: criteria provided, single submitter. Criteria: ACMG Guidelines, 2015. Collection method: clinical testing. Allele origin: germline.
Comment: This variant is classified as likely benign based on ACMG/AMP sequence variant interpretation guidelines (Richards et al. 2015 PMID: 25741868, with internal and published modifications).

NM_001382508.1(DROSHA):c.1433-6T>G

Gene: DROSHA (drosha ribonuclease III; minus strand). Cytogenetic location: 5p13.3.
Variant type: single nucleotide variant.
Coding change: c.1433-6T>G on transcript NM_001382508.1 (MANE Select); 6 bases into the intron before coding-DNA position 1433, T replaced by G.
Molecular consequence: intron variant.
Genome position (GRCh38, 1-based): chr5:31,508,781, A>C on the plus strand (T>G on the coding strand, the complement: DROSHA is on the minus strand). VCF-style: chr5-31508781-A-C. GRCh37 (hg19) VCF-style: chr5-31508888-A-C.
Other names: c.1433-6T>G (NM_013235.5); c.1322-6T>G (NM_001100412.2).
Identifiers: ClinVar variation 4985156 (VCV004985156.1).
Genomic context (GRCh38, chr5:31,508,781, plus strand): 5'-CTGCTAGAACAGGTGCTGTCCTCATCAGACTCACACTCGGATTCACTGGAACTCTCTAAC[A>C]GGGGTTGGGAGAAAAATACAGAAATTGATGGAATTAACAAACTGGTTTTTTTTTTTCCCT-3'